The following is an entry in ClinVar:

NM_018076.5(ODAD2):c.2592A>G (p.Pro864=)

Gene: ODAD2 (outer dynein arm docking complex subunit 2; minus strand). Cytogenetic location: 10p12.1.
Variant type: single nucleotide variant.
Coding change: c.2592A>G on transcript NM_018076.5 (MANE Select); coding-DNA position 2592, A replaced by G.
Protein change: p.Pro864=; no amino-acid change (proline 864 retained).
Molecular consequence: synonymous variant.
Genome position (GRCh38, 1-based): chr10:27,907,681, T>C on the plus strand (A>G on the coding strand, the complement: ODAD2 is on the minus strand). VCF-style: chr10-27907681-T-C. GRCh37 (hg19) VCF-style: chr10-28196610-T-C.
Other names: c.2592A>G, p.Pro864= (NM_001290020.2); c.1167A>G, p.Pro389= (NM_001290021.2); c.1668A>G, p.Pro556= (NM_001312689.2); c.2592A>G (NM_018076.4, NM_018076.2).
Identifiers: ClinVar variation 1100277 (VCV001100277.12), dbSNP rs145042199, ClinGen allele CA5453166.

ClinVar aggregate classification (germline): Likely benign. Review status: criteria provided, multiple submitters, no conflicts (2 of 4 stars). 3 submissions from 3 submitters: Likely benign (2). 1 of the submissions does not count toward it. Last evaluated 2025-08-06.

Conditions:
Primary ciliary dyskinesia 23 (CILD23). Also called: CILIARY DYSKINESIA, PRIMARY, 23, WITH OR WITHOUT SITUS INVERSUS. Identifiers: Orphanet 244, MedGen C3809548, MONDO:0014193, OMIM 615451.
Primary ciliary dyskinesia. Also called: Ciliary dyskinesia. Identifiers: Orphanet 244, MedGen C0008780, MONDO:0016575, HP:0012265.
ODAD2-related disorder. Also called: ODAD2-related condition.

Allele frequency attached by ClinVar (database versions not stated): gnomAD exomes 0.00013; ExAC 0.00015; ESP Exome Variant Server 0.00031; gnomAD 0.00046 and 0.00048; 1000 Genomes Project 30x 0.00062; 1000 Genomes Project 0.00080.
gnomAD v4.1: 148 of 1,613,632 alleles (0.0092%); highest among the groups gnomAD compares: African/African-American, 0.16%; no homozygotes.

Submissions (3):

Labcorp Genetics (formerly Invitae), Labcorp
Classification: Likely benign for Primary ciliary dyskinesia 23. Last evaluated: 2025-08-06. Review status: criteria provided, single submitter. Criteria: Invitae Variant Classification Sherloc (09022015). Collection method: clinical testing. Allele origin: germline.

Ambry Genetics
Classification: Likely benign for Primary ciliary dyskinesia. Last evaluated: 2025-01-13. Review status: criteria provided, single submitter. Criteria: Ambry Variant Classification Scheme 2023. Collection method: clinical testing. Allele origin: germline.

PreventionGenetics, part of Exact Sciences
Classification: Likely benign for ODAD2-related condition. Last evaluated: 2022-12-27. Review status: no assertion criteria provided. Collection method: clinical testing. Allele origin: germline. Not counted in ClinVar's aggregate classification.
Comment: This variant is classified as likely benign based on ACMG/AMP sequence variant interpretation guidelines (Richards et al. 2015 PMID: 25741868, with internal and published modifications).